The following is an entry in ClinVar:

ClinVar aggregate classification (germline): Conflicting classifications of pathogenicity. Review status: criteria provided, conflicting classifications (1 of 4 stars). 7 submissions from 7 submitters: Uncertain significance (5); Likely benign (1). 1 of the submissions does not count toward it. Last evaluated 2026-01-16.

Conditions:
Small cell carcinoma of the ovary, hypercalcemic type. Identifiers: MedGen C4013716.
Rhabdoid tumor predisposition syndrome 2 (RTPS2). Identifiers: Orphanet 231108, Orphanet 69077, MedGen C2750074, MONDO:0013224, OMIM 613325.
Intellectual disability, autosomal dominant 16 (CSS4). Also called: COFFIN-SIRIS SYNDROME 4. Identifiers: Orphanet 1465, MedGen C3553249, MONDO:0013821, OMIM 614609.
SMARCA4-related disorder. Also called: SMARCA4-related condition.
Hereditary cancer-predisposing syndrome. Also called: Neoplastic Syndromes, Hereditary; Hereditary neoplastic syndrome; Tumor predisposition; Hereditary Cancer Syndrome. Identifiers: Orphanet 140162, MedGen C0027672, MeSH D009386, MONDO:0015356.

Allele frequency attached by ClinVar (database versions not stated): gnomAD 0.00002; TOPMed 0.00004; ESP Exome Variant Server 0.00008.
gnomAD v4.1: 38 of 1,613,826 alleles (0.0024%); highest among the groups gnomAD compares: Admixed American, 0.005%; no homozygotes.

Submissions (7):

Labcorp Genetics (formerly Invitae), Labcorp
Classification: Uncertain significance for Rhabdoid tumor predisposition syndrome 2. Last evaluated: 2026-01-16. Review status: criteria provided, single submitter. Criteria: Invitae Variant Classification Sherloc (09022015). Collection method: clinical testing. Allele origin: germline.
Comment: This sequence change replaces glycine, which is neutral and non-polar, with valine, which is neutral and non-polar, at codon 1617 of the SMARCA4 protein (p.Gly1617Val). This variant is present in population databases (rs148115492, gnomAD 0.01%). This variant has not been reported in the literature in individuals affected with SMARCA4-related conditions. ClinVar contains an entry for this variant (Variation ID: 238488). Invitae Evidence Modeling of protein sequence and biophysical properties (such as structural, functional, and spatial information, amino acid conservation, physicochemical variation, residue mobility, and thermodynamic stability) indicates that this missense variant is not expected to disrupt SMARCA4 protein function with a negative predictive value of 95%. In summary, the available evidence is currently insufficient to determine the role of this variant in disease. Therefore, it has been classified as a Variant of Uncertain Significance.

GeneDx
Classification: Uncertain significance. Last evaluated: 2024-07-29. Review status: criteria provided, single submitter. Criteria: GeneDx Variant Classification Process June 2021. Collection method: clinical testing. Allele origin: germline. Affected: yes.
Comment: In silico analysis indicates that this missense variant does not alter protein structure/function; Has not been previously published as pathogenic or benign to our knowledge

Baylor Genetics
Classification: Uncertain significance for Rhabdoid tumor predisposition syndrome 2. Last evaluated: 2023-07-15. Review status: criteria provided, single submitter. Criteria: ACMG Guidelines, 2015. Collection method: clinical testing. Allele origin: unknown.

Institute for Clinical Genetics, University Hospital TU Dresden, University Hospital TU Dresden
Classification: Uncertain significance. Last evaluated: 2021-11-03. Review status: criteria provided, single submitter. Criteria: ACMG Guidelines, 2015. Collection method: clinical testing. Allele origin: germline.

Genome-Nilou Lab
Classification: Uncertain significance for Intellectual disability, autosomal dominant 16. Last evaluated: 2021-07-15. Review status: criteria provided, single submitter. Criteria: ACMG Guidelines, 2015. Collection method: clinical testing. Allele origin: germline. Affected: no.

Ambry Genetics
Classification: Likely benign for Hereditary cancer-predisposing syndrome. Last evaluated: 2021-05-13. Review status: criteria provided, single submitter. Criteria: Ambry Variant Classification Scheme 2023. Collection method: clinical testing. Allele origin: germline.

PreventionGenetics, part of Exact Sciences
Classification: Uncertain significance for SMARCA4-related condition. Last evaluated: 2023-10-25. Review status: no assertion criteria provided. Collection method: clinical testing. Allele origin: germline. Not counted in ClinVar's aggregate classification.
Comment: The SMARCA4 c.4850G>T variant is predicted to result in the amino acid substitution p.Gly1617Val. To our knowledge, this variant has not been reported in the literature. This variant is reported in 0.010% of alleles in individuals of East Asian descent in gnomAD. This variant has been listed as 'likely benign' or 'uncertain' in the ClinVar database. Although we suspect that this variant may be benign, at this time, the clinical significance of this variant is uncertain due to the absence of conclusive functional and genetic evidence.

NM_003072.5(SMARCA4):c.4754G>T (p.Gly1585Val)

Gene: SMARCA4 (SWI/SNF related BAF chromatin remodeling complex subunit ATPase 4; plus strand). Cytogenetic location: 19p13.2.
Variant type: single nucleotide variant.
Coding change: c.4754G>T on transcript NM_003072.5 (MANE Select); coding-DNA position 4754, G replaced by T.
Protein change: p.Gly1585Val; replaces glycine 1585 with valine.
Molecular consequence: missense variant. On other transcripts: non-coding transcript variant (1).
Genome position (GRCh38, 1-based): chr19:11,059,871, G>T. VCF-style: chr19-11059871-G-T. GRCh37 (hg19) VCF-style: chr19-11170547-G-T.
Other names: c.4754G>T, p.Gly1585Val (NM_001128844.3); c.4664G>T, p.Gly1555Val (NM_001128845.2); c.4661G>T, p.Gly1554Val (NM_001128846.2); c.4655G>T, p.Gly1552Val (NM_001128847.4, NM_001374457.1); c.4652G>T, p.Gly1551Val (NM_001128848.2); c.4850G>T, p.Gly1617Val (NM_001128849.3, NM_001387283.1); short protein forms G1617V, G1552V, G1555V, G1551V, G1554V, G1585V.
Identifiers: ClinVar variation 238488 (VCV000238488.23), dbSNP rs148115492, ClinGen allele CA9204835.